The following is an entry in ClinVar:

ClinVar aggregate classification (germline): Pathogenic. Review status: criteria provided, multiple submitters, no conflicts (2 of 4 stars). 24 submissions from 22 submitters: Pathogenic (18). 6 of the submissions do not count toward it. Last evaluated 2026-07-14.

Conditions:
Knobloch syndrome 1 (KNO1). Identifiers: MedGen C4551775, MONDO:0800167, OMIM 267750.
Hereditary glaucoma, primary closed-angle. Also called: Glaucoma, primary closed-angle. Identifiers: MedGen C5394374, MONDO:0030038, OMIM 618880.
COL18A1-related disorder. Also called: COL18A1-related disorders; COL18A1-related condition.
Fetal anomalies with a likely genetic cause.
Macular dystrophy. Identifiers: MedGen C0730292, HP:0007754.
Retinitis pigmentosa (RP). Identifiers: Orphanet 791, MedGen C0035334, MeSH D012174, MONDO:0019200, OMIM 268000. Inheritance: Autosomal dominant, autosomal recessive and X linked inheritance.
Knobloch syndrome (KNO). Also called: RETINAL DETACHMENT AND OCCIPITAL ENCEPHALOCELE; Myopia retinal detachment encephalocele. Identifiers: Orphanet 1571, MedGen C1849409, MONDO:0800166.
Retinal disorder. Also called: Retinopathies; Retinal Diseases; Retinal disorders; Retinopathy. Identifiers: MedGen C0035309, MONDO:0005283, HP:0000488.

Allele frequency attached by ClinVar (database versions not stated): gnomAD 0.00029; gnomAD exomes 0.00030; ExAC 0.00089; TOPMed 0.00028.

Submissions 1 to 15 of 24:

Genetics Laboratory, Great Ormond Street Hospital NHS Foundation Trust, North Thames Genomic Laboratory Hub
Classification: Pathogenic for Fetal anomalies with a likely genetic cause. Last evaluated: 2026-07-14. Review status: criteria provided, single submitter. Criteria: ACGS Best Practice Guidelines for Variant Classification in Rare Disease 2024 v1.2. Collection method: clinical testing. Allele origin: germline. Affected: yes.
Comment: PVS1_very-strong, PP1_strong, PM3_very-strong

PreventionGenetics, part of Exact Sciences
Classification: Pathogenic for COL18A1-related condition. Last evaluated: 2026-06-26. Review status: criteria provided, single submitter. Criteria: ACMG Guidelines, 2015. Collection method: clinical testing. Allele origin: germline.
Comment: The COL18A1 c.4054_4055delCT variant is predicted to result in a frameshift and premature protein termination (p.Leu1352Valfs*72). This variant has been alternately described in the literature as c.3514_3515del, p.Leu1172ValfsX72 (based on transcript NM_130445.3) or c.4759_4760delCT, p.Leu1587ValfsX72 (based on transcript NM_130444.3). This deletion has been reported to be causative for Knobloch syndrome, type I (e.g., Aldahmesh et al. 2013. PubMed: 23667181; Suzuki et al. 2002. PubMed ID: 12415512; Zhang et al. 2018. PubMed ID: 29977801). It is reported in 0.039% of alleles in individuals of European (Finnish) descent in gnomAD. Frameshift variants in COL18A1 are expected to be pathogenic. This variant is interpreted as pathogenic.

Genetics Laboratory, Great Ormond Street Hospital NHS Foundation Trust, North Thames Genomic Laboratory Hub
Classification: Pathogenic for Retinal disorders. Last evaluated: 2026-06-16. Review status: criteria provided, single submitter. Criteria: ACGS Best Practice Guidelines for Variant Classification in Rare Disease 2024 v1.2. Collection method: clinical testing. Allele origin: germline. Affected: yes.
Comment: the same text as in the submission from Genetics Laboratory, Great Ormond Street Hospital NHS Foundation Trust, North Thames Genomic Laboratory Hub above.

Labcorp Genetics (formerly Invitae), Labcorp
Classification: Pathogenic. Last evaluated: 2026-01-11. Review status: criteria provided, single submitter. Criteria: Invitae Variant Classification Sherloc (09022015). Collection method: clinical testing. Allele origin: germline.
Comment: This sequence change creates a premature translational stop signal (p.Leu1172Valfs*72) in the COL18A1 gene. It is expected to result in an absent or disrupted protein product. Loss-of-function variants in COL18A1 are known to be pathogenic (PMID: 12415512, 25456301). This variant is present in population databases (rs398122391, gnomAD 0.04%). This premature translational stop signal has been observed in individuals with Knobloch syndrome (PMID: 19390655, 21862674, 23667181, 29977801). It has also been observed to segregate with disease in related individuals. This variant is also known as p.Leu1587Valfs*72. ClinVar contains an entry for this variant (Variation ID: 65410). For these reasons, this variant has been classified as Pathogenic.

3billion
Classification: Pathogenic for Knobloch syndrome 1. Last evaluated: 2025-12-02. Review status: criteria provided, single submitter. Criteria: ACMG Guidelines, 2015. Collection method: clinical testing. Allele origin: germline. Affected: yes.
Comment: The variant is observed at an extremely low frequency in the gnomAD v4.1.0 dataset (total allele frequency: 0.031%). Predicted Consequence/Location: Frameshift: predicted to result in a loss or disruption of normal protein function through nonsense-mediated decay (NMD) or protein truncation. Multiple pathogenic variants are reported downstream of the variant. The variant has been reported at least twice as pathogenic with clinical assertions and evidence for the classification (ClinVar ID: VCV000065410 /PMID: 12415512 /3billion dataset). Therefore, this variant is classified as Pathogenic according to the recommendation of ACMG/AMP guideline.

CeGaT Center for Human Genetics Tuebingen
Classification: Pathogenic. Last evaluated: 2025-12-01. Review status: criteria provided, single submitter. Criteria: CeGaT Center For Human Genetics Tuebingen Variant Classification Criteria Version 2. Collection method: clinical testing. Allele origin: germline. Affected: yes. Observed: 7 variant alleles.
Comment: COL18A1: PVS1, PM2, PM3

Genomic Medicine Center of Excellence, King Faisal Specialist Hospital and Research Centre
Classification: Pathogenic for Knobloch syndrome 1. Last evaluated: 2025-09-10. Review status: criteria provided, single submitter. Criteria: ACMG Guidelines, 2015. Collection method: clinical testing. Allele origin: germline.

Blueprint Genetics
Classification: Pathogenic for COL18A1-related disorders. Last evaluated: 2024-10-17. Review status: criteria provided, single submitter. Criteria: ACMG Guidelines, 2015. Collection method: clinical testing. Allele origin: germline. Affected: yes. Observed: 5 variant alleles.

Women's Health and Genetics/Laboratory Corporation of America, LabCorp
Classification: Pathogenic for Knobloch syndrome 1. Last evaluated: 2023-05-04. Review status: criteria provided, single submitter. Criteria: LabCorp Variant Classification Summary - May 2015. Collection method: clinical testing. Allele origin: germline.
Comment: Variant summary: COL18A1 c.3523_3524delCT (p.Leu1175ValfsX72) results in a premature termination codon, predicted to cause a truncation of the encoded protein or absence of the protein due to nonsense mediated decay, which are commonly known mechanisms for disease. The variant allele was found at a frequency of 0.0003 in 194886 control chromosomes. c.3523_3524delCT has been reported in the literature in individuals affected with Knobloch Syndrome 1 (example: Villanueva-Mendoza_2021). These data indicate that the variant is likely associated with disease. To our knowledge, no experimental evidence demonstrating an impact on protein function has been reported. The following publication has been ascertained in the context of this evaluation (PMID: 34828430). 12 clinical diagnostic laboratories have submitted clinical-significance assessments for this variant to ClinVar after 2014 without evidence for independent evaluation. All laboratories classified the variant as pathogenic (n=11) or likely pathogenic (n=1). Based on the evidence outlined above, the variant was classified as pathogenic.

Clinical Genetics Laboratory, Skane University Hospital Lund
Classification: Pathogenic. Last evaluated: 2022-06-21. Review status: criteria provided, single submitter. Criteria: ACMG Guidelines, 2015. Collection method: clinical testing. Allele origin: germline. Affected: yes.

AURAGEN, Plan France Médecine Génomique
Classification: Pathogenic for Retinal disorder. Last evaluated: 2022-05-27. Review status: criteria provided, single submitter. Criteria: PFMG2025 (Lancet Reg Health Eur. 2025). Collection method: clinical testing. Allele origin: germline. Affected: yes.

Fulgent Genetics
Classification: Pathogenic for Knobloch syndrome 1; Hereditary glaucoma, primary closed-angle. Last evaluated: 2022-03-29. Review status: criteria provided, single submitter. Criteria: ACMG Guidelines, 2015. Collection method: clinical testing. Allele origin: unknown.

Dasa
Classification: Pathogenic for Knobloch syndrome 1. Last evaluated: 2022-03-05. Review status: criteria provided, single submitter. Criteria: ACMG Guidelines, 2015. Collection method: clinical testing. Allele origin: germline. Affected: yes. Observed: 1 variant allele.
Comment: The c.4054_4055delCT;p.(Leu1355Valfs*72) is a null frameshift variant (NMD) in the COL18A1 gene and predicts alteration of the nonsense-mediate decay - NMD is present in a relevant exon to the transcript - PVS1. This sequence change has been observed in affected individual(s) and ClinVar contains an entry for this variant (ClinVar ID: 65410; PMID: 29977801; PMID: 21862674; PMID: 23667181; PMID: 19390655) - PS4. The variant is present at low allele frequencies population databases (rs398122391 – gnomAD 0.002961%; ABraOM no frequency) - PM2_supporting. In summary, the currently available evidence indicates that the variant is pathogenic.

GeneDx
Classification: Pathogenic. Last evaluated: 2022-01-04. Review status: criteria provided, single submitter. Criteria: GeneDx Variant Classification Process June 2021. Collection method: clinical testing. Allele origin: germline. Affected: yes.
Comment: Frameshift variant predicted to result in protein truncation or nonsense mediated decay in a gene for which loss-of-function is a known mechanism of disease; This variant is associated with the following publications: (PMID: 21937992, 28041643, 25456301, 23667181, 19160445, 20979194, 31415705, 12415512, 33238767, 31896775, 32178553, 28950998, 32581362, 29977801)

Greenwood Genetic Center Diagnostic Laboratories, Greenwood Genetic Center
Classification: Pathogenic. Last evaluated: 2021-03-03. Review status: criteria provided, single submitter. Criteria: ACMG Guidelines, 2015. Collection method: clinical testing. Allele origin: germline. Affected: yes.
Comment: PVS1, PM2, PM3

NM_001379500.1(COL18A1):c.3523_3524del (p.Leu1175fs)

Genes: COL18A1 (collagen type XVIII alpha 1 chain; plus strand), SLC19A1 (solute carrier family 19 member 1; minus strand). Cytogenetic location: 21q22.3.
Variant type: Deletion.
Coding change: c.3523_3524del on transcript NM_001379500.1 (MANE Select); coding-DNA positions 3523 to 3524, 2 bases deleted (CT; older notation c.3523_3524delCT).
Protein change: p.Leu1175fs; shifts the reading frame from leucine 1175.
Molecular consequence: frameshift variant.
Genome position (GRCh38, 1-based): chr21:45,510,091-45,510,092, CT deleted. VCF-style (leftmost placement, unchanged base first): chr21-45510090-CCT-C. GRCh37 (hg19) VCF-style: chr21-46930004-CCT-C.
Other names: NM_130445.2:c.3514_3515delCT; NM_130445.3:c.3514_3515del; NM_130445.4:c.3514_3515del; c.3523_3524delCT (NM_001379500.1); c.4054_4055delCT (NM_030582.4); c.4054_4055del, p.Leu1352fs (NM_030582.4); c.4759_4760del, p.Leu1587fs (NM_130444.3); short protein forms L1352fs, L1587fs, L1175fs.
Identifiers: ClinVar variation 65410 (VCV000065410.76), dbSNP rs398122391, ClinGen allele CA144775.